The following is an entry in ClinVar:

NM_002907.4(RECQL):c.479T>C (p.Met160Thr)

Gene: RECQL (RecQ like helicase; minus strand). Cytogenetic location: 12p12.1.
Variant type: single nucleotide variant.
Coding change: c.479T>C on transcript NM_002907.4 (MANE Select); coding-DNA position 479, T replaced by C.
Protein change: p.Met160Thr; replaces methionine 160 with threonine.
Molecular consequence: missense variant.
Genome position (GRCh38, 1-based): chr12:21,486,501, A>G on the plus strand (T>C on the coding strand, the complement: RECQL is on the minus strand). VCF-style: chr12-21486501-A-G. GRCh37 (hg19) VCF-style: chr12-21639435-A-G.
Other names: c.479T>C, p.Met160Thr (NM_032941.3); short protein forms M160T.
Identifiers: ClinVar variation 2593180 (VCV002593180.2), dbSNP rs773214200, ClinGen allele CA6479068.

ClinVar aggregate classification (germline): Uncertain significance (1 of 4 stars; one submission).

Allele frequency attached by ClinVar (database versions not stated): ExAC 0.00001; gnomAD exomes 0.00001.

Submission:

Ambry Genetics
Classification: Uncertain significance. Last evaluated: 2023-07-23. Review status: criteria provided, single submitter. Criteria: Ambry Variant Classification Scheme 2023. Collection method: clinical testing. Allele origin: germline.
Comment: The p.M160T variant (also known as c.479T>C), located in coding exon 4 of the RECQL gene, results from a T to C substitution at nucleotide position 479. The methionine at codon 160 is replaced by threonine, an amino acid with similar properties. This amino acid position is conserved. In addition, this alteration is predicted to be tolerated by in silico analysis. Since supporting evidence is limited at this time, the clinical significance of this alteration remains unclear.